The following is an entry in ClinVar:

NM_031407.7(HUWE1):c.1806C>T (p.Gly602=)

Gene: HUWE1 (HECT, UBA and WWE domain containing E3 ubiquitin protein ligase 1; minus strand). Cytogenetic location: Xp11.22.
Variant type: single nucleotide variant.
Coding change: c.1806C>T on transcript NM_031407.7 (MANE Select); coding-DNA position 1806, C replaced by T.
Protein change: p.Gly602=; no amino-acid change (glycine 602 retained).
Molecular consequence: synonymous variant.
Genome position (GRCh38, 1-based): chrX:53,617,121, G>A on the plus strand (C>T on the coding strand, the complement: HUWE1 is on the minus strand). VCF-style: chrX-53617121-G-A. GRCh37 (hg19) VCF-style: chrX-53644082-G-A.
Other names: c.1806C>T, p.Gly602= (NM_001441048.1, NM_001441049.1, NM_001441051.1 and 6 more transcripts); c.1827C>T, p.Gly609= (NM_001441050.1, NM_001441055.1).
Identifiers: ClinVar variation 5039646 (VCV005039646.1).

ClinVar aggregate classification (germline): Likely benign (1 of 4 stars; one submission).

Submission:

CeGaT Center for Human Genetics Tuebingen
Classification: Likely benign. Last evaluated: 2026-08-01. Review status: criteria provided, single submitter. Criteria: CeGaT Center For Human Genetics Tuebingen Variant Classification Criteria Version 2. Collection method: clinical testing. Allele origin: germline. Affected: yes. Observed: 1 variant allele.
Comment: HUWE1: PM2:Supporting, BP4, BP7